The following is an entry in ClinVar:

ClinVar aggregate classification (germline): Uncertain significance (1 of 4 stars; one submission).

Allele frequency attached by ClinVar (database versions not stated): gnomAD exomes below 0.00001.
gnomAD v4.1: 2 of 1,614,182 alleles (0.00012%); highest among the groups gnomAD compares: Non-Finnish European, 0.00017%; no homozygotes.

Submission:

Women's Health and Genetics/Laboratory Corporation of America, LabCorp
Classification: Uncertain significance. Last evaluated: 2024-04-30. Review status: criteria provided, single submitter. Criteria: LabCorp Variant Classification Summary - May 2015. Collection method: clinical testing. Allele origin: germline.
Comment: Variant summary: EIF2B4 c.815T>C (p.Met272Thr) results in a non-conservative amino acid change in the encoded protein sequence. Five of five in-silico tools predict a damaging effect of the variant on protein function. The variant was absent in 251480 control chromosomes (gnomAD). c.815T>C has been reported in the literature in the compound heterozygous state in two individuals affected with features of Leukoencephalopathy With Vanishing White Matter (Carra-Dalliere_2011, Deng_2021). These data indicate that the variant may be associated with disease. One publication reports experimental evidence finding that cells from one of these patients show reduced EIF2B activity, however the variant was not tested in isolation. The following publications have been ascertained in the context of this evaluation (PMID: 21676421, 34745209). No submitters have cited clinical-significance assessments for this variant to ClinVar. Based on the evidence outlined above, the variant was classified as VUS-possibly pathogenic.

Literature cited by the submitters: PubMed 21676421; PubMed 23335982; PubMed 34745209.

NM_001034116.2(EIF2B4):c.818T>C (p.Met273Thr)

Genes: EIF2B4 (eukaryotic translation initiation factor 2B subunit delta; minus strand), GTF3C2-AS2 (GTF3C2 antisense RNA 2; plus strand). Cytogenetic location: 2p23.3.
Variant type: single nucleotide variant.
Coding change: c.818T>C on transcript NM_001034116.2 (MANE Select); coding-DNA position 818, T replaced by C.
Protein change: p.Met273Thr; replaces methionine 273 with threonine.
Molecular consequence: missense variant. On other transcripts: non-coding transcript variant (8).
Genome position (GRCh38, 1-based): chr2:27,367,524, A>G on the plus strand (T>C on the coding strand, the complement: EIF2B4 is on the minus strand). VCF-style: chr2-27367524-A-G. GRCh37 (hg19) VCF-style: chr2-27590391-A-G.
Other names: c.881T>C, p.Met294Thr (NM_001318965.2); c.773T>C, p.Met258Thr (NM_001318966.2); c.725T>C, p.Met242Thr (NM_001318967.2); c.233T>C, p.Met78Thr (NM_001318968.2); c.200T>C, p.Met67Thr (NM_001318969.2); c.815T>C, p.Met272Thr (NM_015636.4); c.878T>C, p.Met293Thr (NM_172195.4); short protein forms M242T, M258T, M272T, M273T, M293T, M294T, M67T, M78T.
Identifiers: ClinVar variation 3251281 (VCV003251281.1), dbSNP rs2465509873.